The following is an entry in ClinVar:

ClinVar aggregate classification (germline): Uncertain significance. Review status: criteria provided, multiple submitters, no conflicts (2 of 4 stars). 3 submissions from 3 submitters: Uncertain significance (3). Last evaluated 2026-08-26.

Conditions:
Glycogen storage disease IXd (GSD9D). Also called: GSD IXd; Muscle Phosphorylase Kinase Deficiency. Identifiers: Orphanet 715, MedGen C1845151, MONDO:0010362, OMIM 300559.

gnomAD v4.1: 5 of 1,207,221 alleles (0.00041%); highest among the groups gnomAD compares: East Asian, 0.003%; no homozygotes.

Submissions (3):

Institute of Human Genetics, University of Leipzig Medical Center
Classification: Uncertain significance for Glycogen storage disease IXd. Last evaluated: 2026-08-26. Review status: criteria provided, single submitter. Criteria: ACMG Guidelines, 2015. Collection method: clinical testing. Allele origin: unknown. Inheritance: X-linked recessive inheritance. Affected: yes.
Comment: Criteria applied: PM2_SUP,PP3

Labcorp Genetics (formerly Invitae), Labcorp
Classification: Uncertain significance for Glycogen storage disease IXd. Last evaluated: 2024-02-17. Review status: criteria provided, single submitter. Criteria: Invitae Variant Classification Sherloc (09022015). Collection method: clinical testing. Allele origin: germline.
Comment: This sequence change falls in intron 4 of the PHKA1 gene. It does not directly change the encoded amino acid sequence of the PHKA1 protein. It affects a nucleotide within the consensus splice site. This variant is not present in population databases (gnomAD no frequency). This variant has not been reported in the literature in individuals affected with PHKA1-related conditions. Variants that disrupt the consensus splice site are a relatively common cause of aberrant splicing (PMID: 17576681, 9536098). Algorithms developed to predict the effect of sequence changes on RNA splicing suggest that this variant may disrupt the consensus splice site. In summary, the available evidence is currently insufficient to determine the role of this variant in disease. Therefore, it has been classified as a Variant of Uncertain Significance.

Revvity Omics, Revvity
Classification: Uncertain significance for Glycogen storage disease IXd. Last evaluated: 2023-10-18. Review status: criteria provided, single submitter. Criteria: ACMG Guidelines, 2015. Collection method: clinical testing. Allele origin: germline.

Literature cited by the submitters: PubMed 17576681 (cited by Labcorp Genetics (formerly Invitae), Labcorp); PubMed 9536098 (cited by Labcorp Genetics (formerly Invitae), Labcorp).

NM_002637.4(PHKA1):c.454+6T>C

Genes: PHKA1 (phosphorylase kinase regulatory subunit alpha 1; minus strand), PHKA1-AS1 (PHKA1 antisense RNA 1; plus strand). Cytogenetic location: Xq13.1.
Variant type: single nucleotide variant.
Coding change: c.454+6T>C on transcript NM_002637.4 (MANE Select); 6 bases into the intron after coding-DNA position 454, T replaced by C.
Molecular consequence: intron variant.
Genome position (GRCh38, 1-based): chrX:72,695,702, A>G on the plus strand (T>C on the coding strand, the complement: PHKA1 is on the minus strand). VCF-style: chrX-72695702-A-G. GRCh37 (hg19) VCF-style: chrX-71915552-A-G.
Other names: c.454+6T>C (NM_001172436.2, NM_001122670.2, NM_001431068.1).
Identifiers: ClinVar variation 3699612 (VCV003699612.4).
Genomic context (GRCh38, chrX:72,695,702, plus strand): 5'-AGAATATTAATTAGTACCCCAGACTCCATGCTCAGGGGCTCCCAGCACTTCTCTCCTTGT[A>G]CTGACCTGAGGCAGTCATTTGGGCTAAGAAGAGCAGGTACACAGAGGTAGCATCCAACTG-3'